The following is an entry in ClinVar:

ClinVar aggregate classification (germline): Uncertain significance (1 of 4 stars; one submission).

Conditions:
Carnitine palmitoyltransferase II deficiency. Also called: Carnitine Palmitoyltransferase 2 Deficiency. Identifiers: Orphanet 157, MedGen C0342790, MONDO:0015515.

Submission:

Labcorp Genetics (formerly Invitae), Labcorp
Classification: Uncertain significance for Carnitine palmitoyltransferase II deficiency. Last evaluated: 2022-06-18. Review status: criteria provided, single submitter. Criteria: Invitae Variant Classification Sherloc (09022015). Collection method: clinical testing. Allele origin: germline.
Comment: In summary, the available evidence is currently insufficient to determine the role of this variant in disease. Therefore, it has been classified as a Variant of Uncertain Significance. Advanced modeling of protein sequence and biophysical properties (such as structural, functional, and spatial information, amino acid conservation, physicochemical variation, residue mobility, and thermodynamic stability) performed at Invitae indicates that this missense variant is expected to disrupt CPT2 protein function. This variant has not been reported in the literature in individuals affected with CPT2-related conditions. This variant is not present in population databases (gnomAD no frequency). This sequence change replaces leucine, which is neutral and non-polar, with phenylalanine, which is neutral and non-polar, at codon 415 of the CPT2 protein (p.Leu415Phe).

NM_000098.3(CPT2):c.1243C>T (p.Leu415Phe)

Gene: CPT2 (carnitine palmitoyltransferase 2; plus strand). Cytogenetic location: 1p32.3.
Variant type: single nucleotide variant.
Coding change: c.1243C>T on transcript NM_000098.3 (MANE Select); coding-DNA position 1243, C replaced by T.
Protein change: p.Leu415Phe; replaces leucine 415 with phenylalanine.
Molecular consequence: missense variant.
Genome position (GRCh38, 1-based): chr1:53,210,917, C>T. VCF-style: chr1-53210917-C-T. GRCh37 (hg19) VCF-style: chr1-53676589-C-T.
Other names: c.1243C>T, p.Leu415Phe (NM_001330589.2); short protein forms L415F.
Identifiers: ClinVar variation 1920243 (VCV001920243.5), dbSNP rs2525589696, ClinGen allele CA340394820.